The following is an entry in ClinVar:

NM_020117.11(LARS1):c.725C>T (p.Pro242Leu)

Gene: LARS1 (leucyl-tRNA synthetase 1; minus strand). Cytogenetic location: 5q32.
Variant type: single nucleotide variant.
Coding change: c.725C>T on transcript NM_020117.11 (MANE Select); coding-DNA position 725, C replaced by T.
Protein change: p.Pro242Leu; replaces proline 242 with leucine.
Molecular consequence: missense variant.
Genome position (GRCh38, 1-based): chr5:146,159,453, G>A on the plus strand (C>T on the coding strand, the complement: LARS1 is on the minus strand). VCF-style: chr5-146159453-G-A. GRCh37 (hg19) VCF-style: chr5-145539016-G-A.
Other names: c.587C>T, p.Pro196Leu (NM_001317964.2); c.563C>T, p.Pro188Leu (NM_001317965.2); c.644C>T, p.Pro215Leu (NM_016460.4); short protein forms P242L, P188L, P215L, P196L.
Identifiers: ClinVar variation 432995 (VCV000432995.3), dbSNP rs749542896, ClinGen allele CA3489857.

ClinVar aggregate classification (germline): Likely pathogenic (1 of 4 stars; one submission).

Allele frequency attached by ClinVar (database versions not stated): ExAC 0.00001; gnomAD 0.00001; TOPMed 0.00001; gnomAD exomes 0.00002.

Submission:

GeneDx
Classification: Likely pathogenic. Last evaluated: 2025-05-07. Review status: criteria provided, single submitter. Criteria: GeneDx Variant Classification Process June 2021. Collection method: clinical testing. Allele origin: germline. Affected: yes.
Comment: In silico analysis supports that this missense variant has a deleterious effect on protein structure/function; Not observed at significant frequency in large population cohorts (gnomAD); This variant is associated with the following publications: (PMID: 30349989)